The following is an entry in ClinVar:

ClinVar aggregate classification (germline): Benign (1 of 4 stars; one submission).

Allele frequency attached by ClinVar (database versions not stated): 1000 Genomes Project 0.95108; 1000 Genomes Project 30x 0.95112; TOPMed 0.96257; gnomAD 0.96542 and 0.96668.
gnomAD v4.1: 147,203 of 152,232 alleles (97%); highest among the groups gnomAD compares: Non-Finnish European, 100%; 71,310 homozygotes.

Submission:

GeneDx
Classification: Benign. Last evaluated: 2018-06-14. Review status: criteria provided, single submitter. Criteria: GeneDx Variant Classification (06012015). Collection method: clinical testing. Allele origin: germline. Affected: yes.
Comment: This variant is considered likely benign or benign based on one or more of the following criteria: it is a conservative change, it occurs at a poorly conserved position in the protein, it is predicted to be benign by multiple in silico algorithms, and/or has population frequency not consistent with disease.

NM_015346.4(ZFYVE26):c.5484+265A>C

Gene: ZFYVE26 (zinc finger FYVE-type containing 26; minus strand). Cytogenetic location: 14q24.1.
Variant type: single nucleotide variant.
Coding change: c.5484+265A>C on transcript NM_015346.4 (MANE Select); 265 bases into the intron after coding-DNA position 5484, A replaced by C.
Molecular consequence: intron variant.
Genome position (GRCh38, 1-based): chr14:67,771,782, T>G on the plus strand (A>C on the coding strand, the complement: ZFYVE26 is on the minus strand). VCF-style: chr14-67771782-T-G. GRCh37 (hg19) VCF-style: chr14-68238499-T-G.
Identifiers: ClinVar variation 667592 (VCV000667592.1), dbSNP rs7157923, ClinGen allele CA262833389.